The following is an entry in ClinVar:

ClinVar aggregate classification (germline): Conflicting classifications of pathogenicity. Review status: criteria provided, conflicting classifications (1 of 4 stars). 9 submissions from 9 submitters: Uncertain significance (8); Likely benign (1). Last evaluated 2026-09-14.

Conditions:
Hereditary cancer-predisposing syndrome. Also called: Tumor predisposition; Neoplastic Syndromes, Hereditary; Hereditary Cancer Syndrome; Hereditary neoplastic syndrome. Identifiers: Orphanet 140162, MedGen C0027672, MeSH D009386, MONDO:0015356.
Breast-ovarian cancer, familial, susceptibility to, 3. Also called: RAD51C-Related Breast/Ovarian Cancer. Identifiers: Orphanet 145, MedGen C3150659, MONDO:0013253, OMIM 613399.
Fanconi anemia complementation group O. Also called: RAD51C-Related Fanconi Anemia. Identifiers: Orphanet 84, MedGen C3150653, MONDO:0013248, OMIM 613390.

Allele frequency attached by ClinVar (database versions not stated): gnomAD exomes below 0.00001.
gnomAD v4.1: 6 of 1,614,234 alleles (0.00037%); highest among the groups gnomAD compares: Middle Eastern, 0.016%; no homozygotes.

Submissions (9):

Ambry Genetics
Classification: Likely benign for Hereditary cancer-predisposing syndrome. Last evaluated: 2026-09-14. Review status: criteria provided, single submitter. Criteria: Ambry Variant Classification Scheme 2023. Collection method: clinical testing. Allele origin: germline.

Labcorp Genetics (formerly Invitae), Labcorp
Classification: Uncertain significance for Fanconi anemia complementation group O. Last evaluated: 2025-11-17. Review status: criteria provided, single submitter. Criteria: Invitae Variant Classification Sherloc (09022015). Collection method: clinical testing. Allele origin: germline.
Comment: This sequence change replaces serine, which is neutral and polar, with phenylalanine, which is neutral and non-polar, at codon 29 of the RAD51C protein (p.Ser29Phe). This variant is present in population databases (no rsID available, gnomAD 0.003%). This missense change has been observed in individual(s) with breast cancer (PMID: 35039523). ClinVar contains an entry for this variant (Variation ID: 232301). Invitae Evidence Modeling of protein sequence and biophysical properties (such as structural, functional, and spatial information, amino acid conservation, physicochemical variation, residue mobility, and thermodynamic stability) indicates that this missense variant is not expected to disrupt RAD51C protein function with a negative predictive value of 80%. In summary, the available evidence is currently insufficient to determine the role of this variant in disease. Therefore, it has been classified as a Variant of Uncertain Significance.

Women's Health and Genetics/Laboratory Corporation of America, LabCorp
Classification: Uncertain significance. Last evaluated: 2025-05-02. Review status: criteria provided, single submitter. Criteria: LabCorp Variant Classification Summary - May 2015. Collection method: clinical testing. Allele origin: germline.
Comment: Variant summary: RAD51C c.86C>T (p.Ser29Phe) results in a non-conservative amino acid change in the encoded protein sequence. Three of five in-silico tools predict a benign effect of the variant on protein function. The variant allele was found at a frequency of 4e-06 in 251474 control chromosomes. The available data on variant occurrences in the general population are insufficient to allow any conclusion about variant significance. c.86C>T has been observed in individual(s) affected with breast cancer, without strong evidence for causality (e.g. Lim_2022). This report does not provide unequivocal conclusions about association of the variant with Hereditary Breast And Ovarian Cancer Syndrome. To our knowledge, no experimental evidence demonstrating an impact on protein function has been reported. The following publication has been ascertained in the context of this evaluation (PMID: 35039523). ClinVar contains an entry for this variant (Variation ID: 232301). Based on the evidence outlined above, the variant was classified as uncertain significance.

Color Diagnostics, LLC DBA Color Health
Classification: Uncertain significance for Hereditary cancer-predisposing syndrome. Last evaluated: 2024-03-06. Review status: criteria provided, single submitter. Criteria: ACMG Guidelines, 2015. Collection method: clinical testing. Allele origin: germline.
Comment: This missense variant replaces serine with phenylalanine at codon 29 of the RAD51C protein. Computational prediction suggests that this variant may not impact protein structure and function (internally defined REVEL score threshold <= 0.5, PMID: 27666373). To our knowledge, functional studies have not been reported for this variant. This variant has not been reported in individuals affected with hereditary cancer in the literature. This variant has been identified in 1/251474 chromosomes in the general population by the Genome Aggregation Database (gnomAD). The available evidence is insufficient to determine the role of this variant in disease conclusively. Therefore, this variant is classified as a Variant of Uncertain Significance.

Blueprint Genetics
Classification: Uncertain significance. Last evaluated: 2023-08-16. Review status: criteria provided, single submitter. Criteria: ACMG Guidelines, 2015. Collection method: clinical testing. Allele origin: germline.

Baylor Genetics
Classification: Uncertain significance for Breast-ovarian cancer, familial, susceptibility to, 3. Last evaluated: 2023-07-19. Review status: criteria provided, single submitter. Criteria: ACMG Guidelines, 2015. Collection method: clinical testing. Allele origin: unknown.

Department of Pathology and Laboratory Medicine, Sinai Health System
Classification: Uncertain significance for Fanconi anemia complementation group O; Breast-ovarian cancer, familial, susceptibility to, 3. Last evaluated: 2023-01-31. Review status: criteria provided, single submitter. Criteria: ACMG Guidelines, 2015. Collection method: clinical testing. Allele origin: germline. Affected: yes.

GeneDx
Classification: Uncertain significance. Last evaluated: 2022-12-09. Review status: criteria provided, single submitter. Criteria: GeneDx Variant Classification Process June 2021. Collection method: clinical testing. Allele origin: germline. Affected: yes.
Comment: Not observed at significant frequency in large population cohorts (gnomAD); In silico analysis supports that this missense variant has a deleterious effect on protein structure/function; Has not been previously published as pathogenic or benign to our knowledge

Mendelics
Classification: Uncertain significance. Last evaluated: 2022-05-04. Review status: criteria provided, single submitter. Criteria: Mendelics Assertion Criteria 2019. Collection method: clinical testing. Allele origin: germline.

Literature cited by the submitters: PubMed 35039523 (cited by Labcorp Genetics (formerly Invitae), Labcorp and Women's Health and Genetics/Laboratory Corporation of America, LabCorp).

NM_058216.3(RAD51C):c.86C>T (p.Ser29Phe)

Gene: RAD51C (RAD51 paralog C; plus strand). Cytogenetic location: 17q22.
Variant type: single nucleotide variant.
Coding change: c.86C>T on transcript NM_058216.3 (MANE Select); coding-DNA position 86, C replaced by T.
Protein change: p.Ser29Phe; replaces serine 29 with phenylalanine.
Molecular consequence: missense variant. On other transcripts: non-coding transcript variant (1).
Genome position (GRCh38, 1-based): chr17:58,692,729, C>T. VCF-style: chr17-58692729-C-T. GRCh37 (hg19) VCF-style: chr17-56770090-C-T.
Other names: c.86C>T, p.Ser29Phe (NM_002876.4); short protein forms S29F.
Identifiers: ClinVar variation 232301 (VCV000232301.22), dbSNP rs876659683, ClinGen allele CA10580722.